The following is an entry in ClinVar:

NM_152383.5(DIS3L2):c.95C>T (p.Pro32Leu)

Gene: DIS3L2 (DIS3 like 3'-5' exoribonuclease 2; plus strand). Cytogenetic location: 2q37.1.
Variant type: single nucleotide variant.
Coding change: c.95C>T on transcript NM_152383.5 (MANE Select); coding-DNA position 95, C replaced by T.
Protein change: p.Pro32Leu; replaces proline 32 with leucine.
Molecular consequence: missense variant. On other transcripts: non-coding transcript variant (2).
Genome position (GRCh38, 1-based): chr2:232,015,556, C>T. VCF-style: chr2-232015556-C-T. GRCh37 (hg19) VCF-style: chr2-232880266-C-T.
Other names: c.95C>T, p.Pro32Leu (NM_001257281.2, NM_001257282.2); short protein forms P32L.
Identifiers: ClinVar variation 1512197 (VCV001512197.6), dbSNP rs2106221636, ClinGen allele CA351151887.
Genomic context (GRCh38, chr2:232,015,556, plus strand): 5'-GCTGCCTCCTGTTTCTAGGTGTGTCTGCTGTGGCTGGTCCACATGACATTGGTGCTTCGC[C>T]AGGTGACAAAAAGTCAAAGAACAGGTCCACACGAGGGAAGAAAAAGAGCATATTTGAAAC-3'
Protein context (NP_689596.4, residues 22-42): VAGPHDIGAS[Pro32Leu]GDKKSKNRST

ClinVar aggregate classification (germline): Uncertain significance (1 of 4 stars; one submission).

Conditions:
Perlman syndrome (PRLMNS). Identifiers: Orphanet 2849, MedGen C0796113, MONDO:0009965, OMIM 267000.

Submission:

Labcorp Genetics (formerly Invitae), Labcorp
Classification: Uncertain significance for Perlman syndrome. Last evaluated: 2021-08-12. Review status: criteria provided, single submitter. Criteria: Invitae Variant Classification Sherloc (09022015). Collection method: clinical testing. Allele origin: germline.
Comment: In summary, the available evidence is currently insufficient to determine the role of this variant in disease. Therefore, it has been classified as a Variant of Uncertain Significance. Algorithms developed to predict the effect of missense changes on protein structure and function are either unavailable or do not agree on the potential impact of this missense change (SIFT: "Tolerated"; PolyPhen-2: "Possibly Damaging"; Align-GVGD: "Class C0"). This variant has not been reported in the literature in individuals affected with DIS3L2-related conditions. This variant is not present in population databases (ExAC no frequency). This sequence change replaces proline with leucine at codon 32 of the DIS3L2 protein (p.Pro32Leu). The proline residue is weakly conserved and there is a moderate physicochemical difference between proline and leucine.